The following is an entry in ClinVar:

ClinVar aggregate classification (germline): Uncertain significance (1 of 4 stars; one submission).

Conditions:
Inborn genetic diseases. Identifiers: MedGen C0950123, MeSH D030342.

gnomAD v4.1: 3 of 1,612,922 alleles (0.00019%); highest among the groups gnomAD compares: Admixed American, 0.005%; no homozygotes.

Submission:

Ambry Genetics
Classification: Uncertain significance for Inborn genetic diseases. Last evaluated: 2026-03-31. Review status: criteria provided, single submitter. Criteria: Ambry Variant Classification Scheme 2023. Collection method: clinical testing. Allele origin: germline.
Comment: The c.5668A>G (p.I1890V) alteration is located in exon 31 (coding exon 31) of the CHD8 gene. This alteration results from a A to G substitution at nucleotide position 5668, causing the isoleucine (I) at amino acid position 1890 to be replaced by a valine (V). Based on data from gnomAD, the G allele has an overall frequency of 0.001% (2/248196) total alleles studied. The highest observed frequency was 0.006% (2/34394) of Latino alleles. Based on insufficient or conflicting evidence, the clinical significance of this alteration remains unclear.

NM_001170629.2(CHD8):c.5668A>G (p.Ile1890Val)

Gene: CHD8 (chromodomain helicase DNA binding protein 8; minus strand). Cytogenetic location: 14q11.2.
Variant type: single nucleotide variant.
Coding change: c.5668A>G on transcript NM_001170629.2 (MANE Select); coding-DNA position 5668, A replaced by G.
Protein change: p.Ile1890Val; replaces isoleucine 1890 with valine.
Molecular consequence: missense variant.
Genome position (GRCh38, 1-based): chr14:21,394,127, T>C on the plus strand (A>G on the coding strand, the complement: CHD8 is on the minus strand). VCF-style: chr14-21394127-T-C. GRCh37 (hg19) VCF-style: chr14-21862286-T-C.
Other names: c.4831A>G, p.Ile1611Val (NM_020920.4); short protein forms I1611V, I1890V.
Identifiers: ClinVar variation 4868910 (VCV004868910.1).